The following is an entry in ClinVar:

ClinVar aggregate classification (germline): Pathogenic. Review status: reviewed by expert panel (3 of 4 stars). 6 submissions from 6 submitters: Pathogenic (1). 5 of the submissions do not count toward it. Last evaluated 2013-09-05.

Conditions:
Hereditary cancer-predisposing syndrome. Also called: Tumor predisposition; Hereditary Cancer Syndrome; Hereditary neoplastic syndrome; Neoplastic Syndromes, Hereditary. Identifiers: Orphanet 140162, MedGen C0027672, MeSH D009386, MONDO:0015356.
Lynch syndrome. Identifiers: Orphanet 144, MedGen C4552100, MONDO:0005835. Disease mechanism: loss of function.
Lynch syndrome 5 (LYNCH5). Also called: Colorectal cancer, hereditary nonpolyposis, type 5; Hereditary non-polyposis colorectal cancer, type 5. Identifiers: Orphanet 144, MedGen C1833477, MONDO:0013710, OMIM 614350. Disease mechanism: loss of function.
Hereditary nonpolyposis colorectal neoplasms. Identifiers: MedGen C0009405, MeSH D003123.

Allele frequency attached by ClinVar (database versions not stated): gnomAD exomes below 0.00001.

Submissions (6):

International Society for Gastrointestinal Hereditary Tumours (InSiGHT)
Classification: Pathogenic for Lynch Syndrome. Last evaluated: 2013-09-05. Review status: reviewed by expert panel. Criteria: Guidelines v1.9. Collection method: research. Allele origin: germline.
Comment: Coding sequence variation resulting in a stop codon

Classified with v1.9 guidelines

Labcorp Genetics (formerly Invitae), Labcorp
Classification: Pathogenic for Hereditary nonpolyposis colorectal neoplasms. Last evaluated: 2025-11-20. Review status: criteria provided, single submitter. Criteria: Invitae Variant Classification Sherloc (09022015). Collection method: clinical testing. Allele origin: germline. Not counted in ClinVar's aggregate classification.
Comment: This sequence change creates a premature translational stop signal (p.Ile1313Serfs*7) in the MSH6 gene. It is expected to result in an absent or disrupted protein product. Loss-of-function variants in MSH6 are known to be pathogenic (PMID: 18269114, 24362816). This variant is not present in population databases (gnomAD no frequency). This premature translational stop signal has been observed in individual(s) with clinical features of Lynch syndrome (PMID: 18625694). ClinVar contains an entry for this variant (Variation ID: 89483). Algorithms developed to predict the effect of sequence changes on RNA splicing suggest that this variant may disrupt the consensus splice site. For these reasons, this variant has been classified as Pathogenic.

GeneDx
Classification: Pathogenic. Last evaluated: 2024-09-16. Review status: criteria provided, single submitter. Criteria: GeneDx Variant Classification Process June 2021. Collection method: clinical testing. Allele origin: germline. Affected: yes. Not counted in ClinVar's aggregate classification.
Comment: Observed in a family with a clinical suspicion of Lynch syndrome (PMID: 18625694); Frameshift variant predicted to result in protein truncation in a gene for which loss of function is a known mechanism of disease; Not observed at significant frequency in large population cohorts (gnomAD); Truncating variants in this gene are considered pathogenic by a well-established clinical consortium and/or database; This variant is associated with the following publications: (PMID: 25980754, 17531815, 21120944, 12019211, 29345684, 26681312, 18625694)

Myriad Genetics, Inc.
Classification: Pathogenic for Lynch syndrome 5. Last evaluated: 2023-08-28. Review status: criteria provided, single submitter. Criteria: Myriad Autosomal Dominant, Autosomal Recessive and X-Linked Classification Criteria (2023). Collection method: clinical testing. Allele origin: unknown. Not counted in ClinVar's aggregate classification.
Comment: This variant is considered pathogenic. This variant creates a frameshift predicted to result in premature protein truncation.

Ambry Genetics
Classification: Pathogenic for Hereditary cancer-predisposing syndrome. Last evaluated: 2018-11-12. Review status: criteria provided, single submitter. Criteria: Ambry Variant Classification Scheme 2023. Collection method: clinical testing. Allele origin: germline. Not counted in ClinVar's aggregate classification.
Comment: The c.3932_3935dupAAGT pathogenic mutation, located in coding exon 9 of the MSH6 gene, results from a duplication of AAGT at nucleotide position 3932, causing a translational frameshift with a predicted alternate stop codon (p.I1313Sfs*7). This mutation was reported in a family meeting either Amsterdam II or revised Bethesda criteria (Ramsoekh D et al. Gut 2008 Nov;57:1539-44). In addition to the clinical data presented in the literature, this alteration is expected to result in loss of function by premature protein truncation. As such, this alteration is interpreted as a disease-causing mutation.

Department of Pathology and Laboratory Medicine, Sinai Health System
Classification: Uncertain significance. Review status: no assertion criteria provided. Collection method: clinical testing. Allele origin: unknown. Affected: yes. Observed: 1 variant allele. Study: The Canadian Open Genetics Repository (COGR). Not counted in ClinVar's aggregate classification.

Literature cited by the submitters: PubMed 18269114 (cited by Labcorp Genetics (formerly Invitae), Labcorp); PubMed 24362816 (cited by Labcorp Genetics (formerly Invitae), Labcorp); PubMed 18625694 (cited by Labcorp Genetics (formerly Invitae), Labcorp and Ambry Genetics); PubMed 29345684 (cited by Ambry Genetics).

NM_000179.3(MSH6):c.3932_3935dup (p.Ile1313fs)

Gene: MSH6 (mutS homolog 6; plus strand). Cytogenetic location: 2p16.3.
Variant type: Duplication.
Coding change: c.3932_3935dup on transcript NM_000179.3 (MANE Select); coding-DNA positions 3932 to 3935, 4 bases duplicated (AAGT; older notation c.3932_3935dupAAGT).
Protein change: p.Ile1313fs; shifts the reading frame from isoleucine 1313.
Molecular consequence: frameshift variant.
Genome position (GRCh38, 1-based): chr2:47,806,582-47,806,585, AAGT duplicated. VCF-style (leftmost placement, unchanged base first): chr2-47806581-G-GAAGT. GRCh37 (hg19) VCF-style: chr2-48033720-G-GAAGT.
Other names: c.3542_3545dup, p.Ile1183fs (NM_001281492.2); c.3026_3029dup, p.Ile1011fs (NM_001281493.2, NM_001281494.2); c.3932_3935dupAAGT (NM_000179.2); short protein forms I1011fs, I1183fs, I1313fs.
Identifiers: ClinVar variation 89483 (VCV000089483.15), dbSNP rs267608127, ClinGen allele CA014731.